The following is an entry in ClinVar:

ClinVar aggregate classification (germline): Uncertain significance (1 of 4 stars; one submission).

Conditions:
Agenesis of corpus callosum, cardiac, ocular, and genital syndrome. Identifiers: MedGen C5394523, MONDO:0030065, OMIM 618929.

Submission:

3billion
Classification: Uncertain significance for Agenesis of corpus callosum, cardiac, ocular, and genital syndrome. Last evaluated: 2025-11-13. Review status: criteria provided, single submitter. Criteria: ACMG Guidelines, 2015. Collection method: clinical testing. Allele origin: germline. Affected: yes.
Comment: The variant is not observed in the gnomAD v4.1.0 dataset. Predicted Consequence/Location: Intron variant In silico tools predict the variant to alter splicing and produce an abnormal transcript [SpliceAI: 0.56 (>=0.2, moderate evidence for spliceogenicity)]. Therefore, this variant is classified as VUS according to the recommendation of ACMG/AMP guideline.

NM_001792.5(CDH2):c.847+1252A>G

Gene: CDH2 (cadherin 2; minus strand). Cytogenetic location: 18q12.1.
Variant type: single nucleotide variant.
Coding change: c.847+1252A>G on transcript NM_001792.5 (MANE Select); 1252 bases into the intron after coding-DNA position 847, A replaced by G.
Molecular consequence: intron variant.
Genome position (GRCh38, 1-based): chr18:28,004,597, T>C on the plus strand (A>G on the coding strand, the complement: CDH2 is on the minus strand). VCF-style: chr18-28004597-T-C. GRCh37 (hg19) VCF-style: chr18-25584561-T-C.
Other names: c.754+1252A>G (NM_001308176.2).
Identifiers: ClinVar variation 4855901 (VCV004855901.1).